The following is an entry in ClinVar:

ClinVar aggregate classification (germline): Likely benign (0 of 4 stars; one submission).

Conditions:
MAP1B-related disorder. Also called: MAP1B-related condition.

Allele frequency attached by ClinVar (database versions not stated): ExAC 0.00007; gnomAD 0.00011; TOPMed 0.00012; gnomAD exomes 0.00022; ESP Exome Variant Server 0.00023.
gnomAD v4.1: 346 of 1,614,044 alleles (0.021%); highest among the groups gnomAD compares: Non-Finnish European, 0.026%; no homozygotes.

Submission:

PreventionGenetics, part of Exact Sciences
Classification: Likely benign for MAP1B-related condition. Last evaluated: 2019-04-12. Review status: no assertion criteria provided. Collection method: clinical testing. Allele origin: germline.
Comment: This variant is classified as likely benign based on ACMG/AMP sequence variant interpretation guidelines (Richards et al. 2015 PMID: 25741868, with internal and published modifications).

NM_005909.5(MAP1B):c.6534C>T (p.Ile2178=)

Gene: MAP1B (microtubule associated protein 1B; plus strand). Cytogenetic location: 5q13.2.
Variant type: single nucleotide variant.
Coding change: c.6534C>T on transcript NM_005909.5 (MANE Select); coding-DNA position 6534, C replaced by T.
Protein change: p.Ile2178=; no amino-acid change (isoleucine 2178 retained).
Molecular consequence: synonymous variant.
Genome position (GRCh38, 1-based): chr5:72,199,889, C>T. VCF-style: chr5-72199889-C-T. GRCh37 (hg19) VCF-style: chr5-71495716-C-T.
Other names: c.6156C>T, p.Ile2052= (NM_001324255.2).
Identifiers: ClinVar variation 3035210 (VCV003035210.2), dbSNP rs147666683, ClinGen allele CA3299494.